The following is an entry in ClinVar:

ClinVar aggregate classification (germline): Uncertain significance (1 of 4 stars; one submission).

gnomAD v4.1: 3 of 1,209,254 alleles (0.00025%); highest among the groups gnomAD compares: East Asian, 0.003%; no homozygotes.

Submission:

Ambry Genetics
Classification: Uncertain significance. Last evaluated: 2026-03-10. Review status: criteria provided, single submitter. Criteria: Ambry Variant Classification Scheme 2023. Collection method: clinical testing. Allele origin: germline.
Comment: The c.1888C>T (p.R630C) alteration is located in exon 3 (coding exon 3) of the BCORL1 gene. This alteration results from a C to T substitution at nucleotide position 1888, causing the arginine (R) at amino acid position 630 to be replaced by a cysteine (C). Based on data from gnomAD, the T allele has an overall frequency of <0.001% (1/183216) total alleles studied. The highest observed frequency was 0.001% (1/81868) of European (non-Finnish) alleles. Based on insufficient or conflicting evidence, the clinical significance of this alteration remains unclear.

NM_001379451.1(BCORL1):c.1888C>T (p.Arg630Cys)

Gene: BCORL1 (BCL6 corepressor like 1; plus strand). Cytogenetic location: Xq26.1.
Variant type: single nucleotide variant.
Coding change: c.1888C>T on transcript NM_001379451.1 (MANE Select); coding-DNA position 1888, C replaced by T.
Protein change: p.Arg630Cys; replaces arginine 630 with cysteine.
Molecular consequence: missense variant.
Genome position (GRCh38, 1-based): chrX:130,014,660, C>T. VCF-style: chrX-130014660-C-T. GRCh37 (hg19) VCF-style: chrX-129148636-C-T.
Other names: c.1888C>T, p.Arg630Cys (NM_001184772.3, NM_001441326.1, NM_001441327.1 and 7 more transcripts); short protein forms R630C.
Identifiers: ClinVar variation 4841074 (VCV004841074.1).